The following is an entry in ClinVar:

NC_000019.9:g.(?_6495175)_(6496252_?)dup

Gene: TUBB4A (tubulin beta 4A class IVa; minus strand). Cytogenetic location: 19p13.3.
Variant type: Duplication.
Identifiers: ClinVar variation 1024714 (VCV001024714.6).

ClinVar aggregate classification (germline): Uncertain significance (1 of 4 stars; one submission).

Conditions:
Leukodystrophy, hypomyelinating, 6. Also called: LEUKODYSTROPHY, HYPOMYELINATING, WITH ATROPHY OF THE BASAL GANGLIA AND CEREBELLUM; TUBB4A-Associated Leukodystrophy; Hypomyelination with Atrophy of Basal Ganglia and Cerebellum (H-ABC). Identifiers: Orphanet 139441, MedGen C2676244, MONDO:0012905, OMIM 612438.

Submission:

Labcorp Genetics (formerly Invitae), Labcorp
Classification: Uncertain significance for Leukodystrophy, hypomyelinating, 6. Last evaluated: 2024-01-18. Review status: criteria provided, single submitter. Criteria: Invitae Variant Classification Sherloc (09022015). Collection method: clinical testing. Allele origin: germline.
Comment: This variant results in a copy number gain of the genomic region encompassing exon(s) 4 of the TUBB4A gene. This region includes the termination codon of the gene. This copy number gain extends beyond the assayed region for this gene and therefore may encompass additional genes. As the precise location of this event is unknown, it may be in tandem or it may be located elsewhere in the genome. This variant has not been reported in the literature in individuals affected with TUBB4A-related conditions. A similar copy number variant has been observed in at least one individual who was not affected with TUBB4A-related conditions (Invitae). In summary, the available evidence is currently insufficient to determine the role of this variant in disease. Therefore, it has been classified as a Variant of Uncertain Significance.